The following is an entry in ClinVar:

ClinVar aggregate classification (germline): Uncertain significance. Review status: criteria provided, multiple submitters, no conflicts (2 of 4 stars). 2 submissions from 2 submitters: Uncertain significance (2). Last evaluated 2024-05-09.

Conditions:
Familial focal epilepsy with variable foci (FPEVF). Identifiers: Orphanet 98820, MedGen C1858477, MONDO:0020310.

Allele frequency attached by ClinVar (database versions not stated): gnomAD exomes below 0.00001; ExAC 0.00001.
gnomAD v4.1: 3 of 1,614,108 alleles (0.00019%); highest among the groups gnomAD compares: Non-Finnish European, 0.00025%; no homozygotes.

Submissions (2):

GeneDx
Classification: Uncertain significance. Last evaluated: 2024-05-09. Review status: criteria provided, single submitter. Criteria: GeneDx Variant Classification Process June 2021. Collection method: clinical testing. Allele origin: germline. Affected: yes.
Comment: Not observed at significant frequency in large population cohorts (gnomAD); In silico analysis indicates that this missense variant does not alter protein structure/function; Has not been previously published as pathogenic or benign to our knowledge

Labcorp Genetics (formerly Invitae), Labcorp
Classification: Uncertain significance for Familial focal epilepsy with variable foci. Last evaluated: 2022-11-09. Review status: criteria provided, single submitter. Criteria: Invitae Variant Classification Sherloc (09022015). Collection method: clinical testing. Allele origin: germline.
Comment: In summary, the available evidence is currently insufficient to determine the role of this variant in disease. Therefore, it has been classified as a Variant of Uncertain Significance. Algorithms developed to predict the effect of missense changes on protein structure and function are either unavailable or do not agree on the potential impact of this missense change (SIFT: "Tolerated"; PolyPhen-2: "Not Available"; Align-GVGD: "Class C0"). This variant has not been reported in the literature in individuals affected with DEPDC5-related conditions. This variant is present in population databases (rs767617112, gnomAD 0.0009%). This sequence change replaces alanine, which is neutral and non-polar, with valine, which is neutral and non-polar, at codon 1562 of the DEPDC5 protein (p.Ala1562Val).

NM_001242896.3(DEPDC5):c.4685C>T (p.Ala1562Val)

Gene: DEPDC5 (DEP domain containing 5, GATOR1 subcomplex subunit; plus strand). Cytogenetic location: 22q12.3.
Variant type: single nucleotide variant.
Coding change: c.4685C>T on transcript NM_001242896.3 (MANE Select); coding-DNA position 4685, C replaced by T.
Protein change: p.Ala1562Val; replaces alanine 1562 with valine.
Molecular consequence: missense variant. On other transcripts: non-coding transcript variant (5).
Genome position (GRCh38, 1-based): chr22:31,906,370, C>T. VCF-style: chr22-31906370-C-T. GRCh37 (hg19) VCF-style: chr22-32302356-C-T.
Other names: c.4658C>T, p.Ala1553Val (NM_001136029.4); c.4385C>T, p.Ala1462Val (NM_001242897.2); c.4619C>T, p.Ala1540Val (NM_001363852.2, NM_001364320.2); c.4451C>T, p.Ala1484Val (NM_001363854.2, NM_001364319.2); c.4685C>T, p.Ala1562Val (NM_001364318.2); c.4601C>T, p.Ala1534Val (NM_001369901.1, NM_001369902.1); c.4592C>T, p.Ala1531Val (NM_001369903.1, NM_014662.6); c.4685C>T (NM_001242896.1); short protein forms A1484V, A1534V, A1540V, A1553V, A1562V, A1462V, A1531V.
Identifiers: ClinVar variation 2723154 (VCV002723154.4), dbSNP rs767617112, ClinGen allele CA10197314.